The following is an entry in ClinVar:

ClinVar aggregate classification (germline): Benign/Likely benign. Review status: criteria provided, multiple submitters, no conflicts (2 of 4 stars). 4 submissions from 4 submitters: Benign (2); Likely benign (2). Last evaluated 2024-10-31.

Conditions:
Amyotrophic lateral sclerosis type 1 (ALS1). Also called: AMYOTROPHIC LATERAL SCLEROSIS 1, FAMILIAL. Identifiers: Orphanet 803, MedGen C1862939, MONDO:0007103, OMIM 105400.

Allele frequency attached by ClinVar (database versions not stated): 1000 Genomes Project 0.00140; 1000 Genomes Project 30x 0.00141; ESP Exome Variant Server 0.00223; gnomAD 0.00233 and 0.00251; TOPMed 0.00262.

Submissions (4):

Athena Diagnostics
Classification: Benign. Last evaluated: 2024-10-31. Review status: criteria provided, single submitter. Criteria: Athena Diagnostics Criteria. Collection method: clinical testing. Allele origin: unknown.

GeneDx
Classification: Likely benign. Last evaluated: 2019-05-28. Review status: criteria provided, single submitter. Criteria: GeneDx Variant Classification Process June 2021. Collection method: clinical testing. Allele origin: germline. Affected: yes.

Illumina Laboratory Services, Illumina
Classification: Benign for Amyotrophic lateral sclerosis type 1. Last evaluated: 2018-01-13. Review status: criteria provided, single submitter. Criteria: ICSL Variant Classification Criteria 13 December 2019. Collection method: clinical testing. Allele origin: germline.
Comment: This variant was observed in the ICSL laboratory as part of a predisposition screen in an ostensibly healthy population. It had not been previously curated by ICSL or reported in the Human Gene Mutation Database (HGMD: prior to June 1st, 2018), and was therefore a candidate for classification through an automated scoring system. Utilizing variant allele frequency, disease prevalence and penetrance estimates, and inheritance mode, an automated score was calculated to assess if this variant is too frequent to cause the disease. Based on the score and internal cut-off values, a variant classified as benign is not then subjected to further curation. The score for this variant resulted in a classification of benign for this disease.

PreventionGenetics, part of Exact Sciences
Classification: Likely benign. Review status: criteria provided, single submitter. Criteria: ACMG Guidelines, 2015. Collection method: clinical testing. Allele origin: germline.

NM_000454.5(SOD1):c.*2C>T

Gene: SOD1 (superoxide dismutase 1; plus strand). Cytogenetic location: 21q22.11.
Variant type: single nucleotide variant.
Coding change: c.*2C>T on transcript NM_000454.5 (MANE Select); 2 bases downstream of the stop codon, C replaced by T.
Molecular consequence: 3 prime UTR variant.
Genome position (GRCh38, 1-based): chr21:31,668,580, C>T. VCF-style: chr21-31668580-C-T. GRCh37 (hg19) VCF-style: chr21-33040893-C-T.
Identifiers: ClinVar variation 256201 (VCV000256201.9), dbSNP rs1804447, ClinGen allele CA9998990.